The following is an entry in ClinVar:

NM_002693.3(POLG):c.419G>A (p.Arg140His)

Genes: POLGARF (POLG alternative reading frame; minus strand), POLG (DNA polymerase gamma, catalytic subunit; minus strand). Cytogenetic location: 15q26.1.
Variant type: single nucleotide variant.
Coding change: c.419G>A on transcript NM_002693.3 (MANE Select); coding-DNA position 419, G replaced by A.
Protein change: p.Arg140His; replaces arginine 140 with histidine.
Molecular consequence: missense variant. On other transcripts: synonymous variant (1).
Genome position (GRCh38, 1-based): chr15:89,333,336, C>T on the plus strand (G>A on the coding strand, the complement: POLG is on the minus strand). VCF-style: chr15-89333336-C-T. GRCh37 (hg19) VCF-style: chr15-89876567-C-T.
Other names: c.474G>A, p.Pro158= (NM_001430120.1); c.419G>A, p.Arg140His (NM_001126131.2); short protein forms R140H.
Identifiers: ClinVar variation 3767770 (VCV003767770.1).

ClinVar aggregate classification (germline): Uncertain significance (1 of 4 stars; one submission).

gnomAD v4.1: 5 of 1,561,790 alleles (0.00032%); highest among the groups gnomAD compares: Middle Eastern, 0.017%; no homozygotes.

Submission:

GeneDx
Classification: Uncertain significance. Last evaluated: 2024-09-05. Review status: criteria provided, single submitter. Criteria: GeneDx Variant Classification Process June 2021. Collection method: clinical testing. Allele origin: germline. Affected: yes.
Comment: Not observed at significant frequency in large population cohorts (gnomAD); In silico analysis indicates that this missense variant does not alter protein structure/function; Has not been previously published as pathogenic or benign to our knowledge